The following is an entry in ClinVar:

ClinVar aggregate classification (germline): Uncertain significance (1 of 4 stars; one submission).

Allele frequency attached by ClinVar (database versions not stated): gnomAD 0.00001; gnomAD exomes 0.00001 and 0.00002; ExAC 0.00002; TOPMed 0.00002.

Submission:

Labcorp Genetics (formerly Invitae), Labcorp
Classification: Uncertain significance. Last evaluated: 2025-07-14. Review status: criteria provided, single submitter. Criteria: Invitae Variant Classification Sherloc (09022015). Collection method: clinical testing. Allele origin: germline.
Comment: This sequence change affects an acceptor splice site in intron 1 of the TM4SF20 gene. It is expected to disrupt RNA splicing. Variants that disrupt the donor or acceptor splice site typically lead to a loss of protein function (PMID: 16199547), however the current clinical and genetic evidence is not sufficient to establish whether loss-of-function variants in TM4SF20 cause disease. This variant is present in population databases (rs747549564, gnomAD 0.004%). Disruption of this splice site has been observed in individual(s) with autism spectrum disorder (PMID: 35813072). ClinVar contains an entry for this variant (Variation ID: 1391332). Algorithms developed to predict the effect of sequence changes on RNA splicing suggest that this variant may disrupt the consensus splice site. In summary, the available evidence is currently insufficient to determine the role of this variant in disease. Therefore, it has been classified as a Variant of Uncertain Significance.

Literature cited by the submitters: PubMed 16199547; PubMed 35813072.

NM_024795.4(TM4SF20):c.184-2A>T

Genes: TM4SF20 (transmembrane 4 L six family member 20; minus strand), LOC126806540 (CDK7 strongly-dependent group 2 enhancer GRCh37_chr2:228235290-228236489; plus strand). Cytogenetic location: 2q36.3.
Variant type: single nucleotide variant.
Coding change: c.184-2A>T on transcript NM_024795.4 (MANE Select); the canonical splice acceptor site of the intron before coding-DNA position 184, A replaced by T.
Molecular consequence: splice acceptor variant.
Genome position (GRCh38, 1-based): chr2:227,370,982, T>A on the plus strand (A>T on the coding strand, the complement: TM4SF20 is on the minus strand). VCF-style: chr2-227370982-T-A. GRCh37 (hg19) VCF-style: chr2-228235698-T-A.
Identifiers: ClinVar variation 1391332 (VCV001391332.5), dbSNP rs747549564, ClinGen allele CA2148281.